The following is an entry in ClinVar:

ClinVar aggregate classification (germline): Uncertain significance (1 of 4 stars; one submission).

Allele frequency attached by ClinVar (database versions not stated): gnomAD exomes below 0.00001.
gnomAD v4.1: 1 of 1,612,196 alleles (0.000062%); highest among the groups gnomAD compares: Non-Finnish European, 0.000085%; no homozygotes.

Submission:

Labcorp Genetics (formerly Invitae), Labcorp
Classification: Uncertain significance. Last evaluated: 2022-08-19. Review status: criteria provided, single submitter. Criteria: Invitae Variant Classification Sherloc (09022015). Collection method: clinical testing. Allele origin: germline.
Comment: This sequence change replaces tryptophan, which is neutral and slightly polar, with serine, which is neutral and polar, at codon 417 of the LTBP2 protein (p.Trp417Ser). This variant is not present in population databases (gnomAD no frequency). This variant has not been reported in the literature in individuals affected with LTBP2-related conditions. Algorithms developed to predict the effect of missense changes on protein structure and function are either unavailable or do not agree on the potential impact of this missense change (SIFT: "Deleterious"; PolyPhen-2: "Possibly Damaging"; Align-GVGD: "Class C0"). In summary, the available evidence is currently insufficient to determine the role of this variant in disease. Therefore, it has been classified as a Variant of Uncertain Significance.

NM_000428.3(LTBP2):c.1250G>C (p.Trp417Ser)

Gene: LTBP2 (latent transforming growth factor beta binding protein 2; minus strand). Cytogenetic location: 14q24.3.
Variant type: single nucleotide variant.
Coding change: c.1250G>C on transcript NM_000428.3 (MANE Select); coding-DNA position 1250, G replaced by C.
Protein change: p.Trp417Ser; replaces tryptophan 417 with serine.
Molecular consequence: missense variant.
Genome position (GRCh38, 1-based): chr14:74,552,336, C>G on the plus strand (G>C on the coding strand, the complement: LTBP2 is on the minus strand). VCF-style: chr14-74552336-C-G. GRCh37 (hg19) VCF-style: chr14-75019039-C-G.
Other names: short protein forms W417S.
Identifiers: ClinVar variation 2070625 (VCV002070625.1), dbSNP rs2506172956, ClinGen allele CA390400558.